The following is an entry in ClinVar:

NM_001378457.1(DMXL2):c.2255A>G (p.His752Arg)

Gene: DMXL2 (Dmx like 2; minus strand). Cytogenetic location: 15q21.2.
Variant type: single nucleotide variant.
Coding change: c.2255A>G on transcript NM_001378457.1 (MANE Select); coding-DNA position 2255, A replaced by G.
Protein change: p.His752Arg; replaces histidine 752 with arginine.
Molecular consequence: missense variant. On other transcripts: non-coding transcript variant (2).
Genome position (GRCh38, 1-based): chr15:51,536,225, T>C on the plus strand (A>G on the coding strand, the complement: DMXL2 is on the minus strand). VCF-style: chr15-51536225-T-C. GRCh37 (hg19) VCF-style: chr15-51828422-T-C.
Other names: c.2255A>G, p.His752Arg (NM_001174116.3, NM_001378459.1, NM_001378460.1 and 6 more transcripts); c.2015A>G, p.His672Arg (NM_001378464.1); short protein forms H672R, H752R.
Identifiers: ClinVar variation 1480520 (VCV001480520.6), dbSNP rs2048280186, ClinGen allele CA392442297.

ClinVar aggregate classification (germline): Uncertain significance (1 of 4 stars; one submission).

Allele frequency attached by ClinVar (database versions not stated): TOPMed below 0.00001; gnomAD exomes 0.00002.
gnomAD v4.1: 22 of 1,613,336 alleles (0.0014%); highest among the groups gnomAD compares: Non-Finnish European, 0.0017%; no homozygotes.

Submission:

Labcorp Genetics (formerly Invitae), Labcorp
Classification: Uncertain significance. Last evaluated: 2023-10-03. Review status: criteria provided, single submitter. Criteria: Invitae Variant Classification Sherloc (09022015). Collection method: clinical testing. Allele origin: germline.
Comment: This sequence change replaces histidine, which is basic and polar, with arginine, which is basic and polar, at codon 752 of the DMXL2 protein (p.His752Arg). This variant is not present in population databases (gnomAD no frequency). This variant has not been reported in the literature in individuals affected with DMXL2-related conditions. ClinVar contains an entry for this variant (Variation ID: 1480520). An algorithm developed to predict the effect of missense changes on protein structure and function (PolyPhen-2) suggests that this variant¬†is likely to be tolerated. In summary, the available evidence is currently insufficient to determine the role of this variant in disease. Therefore, it has been classified as a Variant of Uncertain Significance.